The following is an entry in ClinVar:

NM_020822.3(KCNT1):c.2045G>T (p.Arg682Leu)

Gene: KCNT1 (potassium sodium-activated channel subfamily T member 1; plus strand). Cytogenetic location: 9q34.3.
Variant type: single nucleotide variant.
Coding change: c.2045G>T on transcript NM_020822.3 (MANE Select); coding-DNA position 2045, G replaced by T.
Protein change: p.Arg682Leu; replaces arginine 682 with leucine.
Molecular consequence: missense variant.
Genome position (GRCh38, 1-based): chr9:135,772,751, G>T. VCF-style: chr9-135772751-G-T. GRCh37 (hg19) VCF-style: chr9-138664597-G-T.
Other names: c.1910G>T, p.Arg637Leu (NM_001272003.2); short protein forms R637L, R682L.
Identifiers: ClinVar variation 3758126 (VCV003758126.2).
Genomic context (GRCh38, chr9:135,772,751, plus strand): 5'-GCCAAGCACAGGGCTCTCTTCCAGGGACAGTGGCCATGGACCTGCAGGGCACAGAGCACC[G>T]GCCTACGCAGAGCGGCGGTGGGGGCGGGGGCAGCAAGCTGGCACTGCCCACGGAGAACGG-3'
Protein context (NP_065873.2, residues 672-692): VAMDLQGTEH[Arg682Leu]PTQSGGGGGG

ClinVar aggregate classification (germline): Uncertain significance (1 of 4 stars; one submission).

Conditions:
Autosomal dominant nocturnal frontal lobe epilepsy 5. Also called: KCNT1-Related Epilepsy; CILIARY DYSKINESIA, PRIMARY, 28, WITHOUT SITUS INVERSUS; CILIARY DYSKINESIA, PRIMARY, 28, WITH SITUS INVERSUS; Epilepsy, nocturnal frontal lobe, 5. Identifiers: Orphanet 98784, MedGen C3554306, MONDO:0014002, OMIM 615005.
Developmental and epileptic encephalopathy, 14 (DEE14). Also called: Early infantile epileptic encephalopathy 14. Identifiers: Orphanet 293181, MedGen C3554195, MONDO:0013989, OMIM 614959.

gnomAD v4.1: 3 of 1,461,984 alleles (0.00021%); highest among the groups gnomAD compares: East Asian, 0.0078%; no homozygotes.

Submission:

Labcorp Genetics (formerly Invitae), Labcorp
Classification: Uncertain significance for Autosomal dominant nocturnal frontal lobe epilepsy 5; Developmental and epileptic encephalopathy, 14. Last evaluated: 2024-09-29. Review status: criteria provided, single submitter. Criteria: Invitae Variant Classification Sherloc (09022015). Collection method: clinical testing. Allele origin: germline.
Comment: This sequence change replaces arginine, which is basic and polar, with leucine, which is neutral and non-polar, at codon 682 of the KCNT1 protein (p.Arg682Leu). This variant is not present in population databases (gnomAD no frequency). This variant has not been reported in the literature in individuals affected with KCNT1-related conditions. Invitae Evidence Modeling of protein sequence and biophysical properties (such as structural, functional, and spatial information, amino acid conservation, physicochemical variation, residue mobility, and thermodynamic stability) indicates that this missense variant is not expected to disrupt KCNT1 protein function with a negative predictive value of 80%. In summary, the available evidence is currently insufficient to determine the role of this variant in disease. Therefore, it has been classified as a Variant of Uncertain Significance.